The following is an entry in ClinVar:

ClinVar aggregate classification (germline): Uncertain significance. Review status: criteria provided, multiple submitters, no conflicts (2 of 4 stars). 2 submissions from 2 submitters: Uncertain significance (2). Last evaluated 2025-12-01.

Conditions:
TTC21B-related disorder. Also called: TTC21B-related disorders; TTC21B-related condition.
Connective tissue disorder. Also called: Connective tissue disease. Identifiers: MedGen C0009782, MONDO:0003900.

Allele frequency attached by ClinVar (database versions not stated): TOPMed 0.00001; gnomAD 0.00002.

Submissions (2):

PreventionGenetics, part of Exact Sciences
Classification: Uncertain significance for TTC21B-related condition. Last evaluated: 2025-12-01. Review status: criteria provided, single submitter. Criteria: ACMG Guidelines, 2015. Collection method: clinical testing. Allele origin: germline.
Comment: The TTC21B c.3856A>G variant is predicted to result in the amino acid substitution p.Ile1286Val. To our knowledge, this variant has not been reported in the literature. This variant is reported in 0.0050% of alleles in individuals of East Asian descent in gnomAD. An alternate missense at the same amino acid position, p.Ile1286Thr, was reported with a pathogenic splice variant (c.2758-2A>G) in an individual with a skeletal ciliopathy (Hammarsjö et al. 2021. PubMed ID: 33875766). At this time, the clinical significance of the c.3856A>G (p.Ile1286Val) variant is uncertain due to the absence of conclusive functional and genetic evidence.

Genome Diagnostics Laboratory, The Hospital for Sick Children
Classification: Uncertain significance for Connective tissue disorder. Last evaluated: 2019-06-01. Review status: criteria provided, single submitter. Criteria: ACMG Guidelines, 2015. Collection method: clinical testing. Allele origin: germline.

NM_024753.5(TTC21B):c.3856A>G (p.Ile1286Val)

Gene: TTC21B (tetratricopeptide repeat domain 21B; minus strand). Cytogenetic location: 2q24.3.
Variant type: single nucleotide variant.
Coding change: c.3856A>G on transcript NM_024753.5 (MANE Select); coding-DNA position 3856, A replaced by G.
Protein change: p.Ile1286Val; replaces isoleucine 1286 with valine.
Molecular consequence: missense variant.
Genome position (GRCh38, 1-based): chr2:165,876,182, T>C on the plus strand (A>G on the coding strand, the complement: TTC21B is on the minus strand). VCF-style: chr2-165876182-T-C. GRCh37 (hg19) VCF-style: chr2-166732692-T-C.
Other names: short protein forms I1286V.
Identifiers: ClinVar variation 1702507 (VCV001702507.5), dbSNP rs768117655, ClinGen allele CA1941374.
Genomic context (GRCh38, chr2:165,876,182, plus strand): 5'-GTGCATCTGAAAAATTTTAAGAAATCTAAATTTAAGTGTTTACCTGGTGACATATGTCAA[T>C]TGAATCCACATATCTTTTTGCTTTTAAGTAATTAAATGCCAGTTTGTATCCTGTTAAGAC-3'
Protein context (NP_079029.3, residues 1276-1296): YLKAKRYVDS[Ile1286Val]DICHQVLEAH